The following is an entry in ClinVar:

NM_005732.4(RAD50):c.3784T>G (p.Phe1262Val)

Genes: RAD50 (RAD50 double strand break repair protein; plus strand), TH2LCRR (T helper type 2 locus control region associated RNA; minus strand). Cytogenetic location: 5q31.1.
Variant type: single nucleotide variant.
Coding change: c.3784T>G on transcript NM_005732.4 (MANE Select); coding-DNA position 3784, T replaced by G.
Protein change: p.Phe1262Val; replaces phenylalanine 1262 with valine.
Molecular consequence: missense variant. On other transcripts: non-coding transcript variant (1).
Genome position (GRCh38, 1-based): chr5:132,642,209, T>G. VCF-style: chr5-132642209-T-G. GRCh37 (hg19) VCF-style: chr5-131977901-T-G.
Other names: short protein forms F1262V.
Identifiers: ClinVar variation 2858143 (VCV002858143.3), dbSNP rs2479439989, ClinGen allele CA360935754.

ClinVar aggregate classification (germline): Uncertain significance (1 of 4 stars; one submission).

Conditions:
Hereditary cancer-predisposing syndrome. Also called: Neoplastic Syndromes, Hereditary; Hereditary neoplastic syndrome; Tumor predisposition; Hereditary Cancer Syndrome. Identifiers: Orphanet 140162, MedGen C0027672, MeSH D009386, MONDO:0015356.

Submission:

Labcorp Genetics (formerly Invitae), Labcorp
Classification: Uncertain significance for Hereditary cancer-predisposing syndrome. Last evaluated: 2023-04-22. Review status: criteria provided, single submitter. Criteria: Invitae Variant Classification Sherloc (09022015). Collection method: clinical testing. Allele origin: germline.
Comment: In summary, the available evidence is currently insufficient to determine the role of this variant in disease. Therefore, it has been classified as a Variant of Uncertain Significance. Advanced modeling of protein sequence and biophysical properties (such as structural, functional, and spatial information, amino acid conservation, physicochemical variation, residue mobility, and thermodynamic stability) performed at Invitae indicates that this missense variant is expected to disrupt RAD50 protein function. This variant has not been reported in the literature in individuals affected with RAD50-related conditions. This variant is not present in population databases (gnomAD no frequency). This sequence change replaces phenylalanine, which is neutral and non-polar, with valine, which is neutral and non-polar, at codon 1262 of the RAD50 protein (p.Phe1262Val).